The following is an entry in ClinVar:

ClinVar aggregate classification (germline): Conflicting classifications of pathogenicity. Review status: criteria provided, conflicting classifications (1 of 4 stars). 6 submissions from 6 submitters: Uncertain significance (4); Likely benign (1). 1 of the submissions does not count toward it. Last evaluated 2024-05-30.

Conditions:
Inborn genetic diseases. Identifiers: MedGen C0950123, MeSH D030342.
Joubert syndrome 9 (JBTS9). Identifiers: Orphanet 2318, MedGen C2676788, MONDO:0012849, OMIM 612285.
Retinitis pigmentosa 93. Identifiers: MedGen C5676970, MONDO:0030797, OMIM 619845.
Meckel syndrome, type 6. Identifiers: Orphanet 564, MedGen C2676790, MONDO:0012848, OMIM 612284.
COACH syndrome 2. Identifiers: MedGen C5436837, MONDO:0030859, OMIM 619111.
CC2D2A-related disorder. Also called: CC2D2A-related disorders; CC2D2A-related condition. Identifiers: MedGen CN239313.
Meckel-Gruber syndrome. Also called: Dysencephalia splachnocystica; DYSENCEPHALIA SPLANCHNOCYSTICA; GRUBER SYNDROME. Identifiers: Orphanet 564, MedGen C0265215, MONDO:0018921.
Joubert syndrome. Also called: JOUBERT-BOLTSHAUSER SYNDROME; Familial aplasia of the vermis. Identifiers: Orphanet 475, MedGen C5979921, MONDO:0018772.

Allele frequency attached by ClinVar (database versions not stated): ExAC 0.00012; gnomAD 0.00013 and 0.00014; gnomAD exomes 0.00014 and 0.00043; TOPMed 0.00016.
gnomAD v4.1: 457 of 1,193,788 alleles (0.038%); highest among the groups gnomAD compares: Non-Finnish European, 0.053%; no homozygotes.

Submissions (7):

Fulgent Genetics
Classification: Uncertain significance for Meckel syndrome, type 6; Joubert syndrome 9; COACH syndrome 2; Retinitis pigmentosa 93. Last evaluated: 2024-05-30. Review status: criteria provided, single submitter. Criteria: ACMG Guidelines, 2015. Collection method: clinical testing. Allele origin: germline.

Blueprint Genetics
Classification: Uncertain significance. Last evaluated: 2023-09-13. Review status: criteria provided, single submitter. Criteria: ACMG Guidelines, 2015. Collection method: clinical testing. Allele origin: germline.

Ambry Genetics
Classification: Uncertain significance for Inborn genetic diseases. Last evaluated: 2023-08-15. Review status: criteria provided, single submitter. Criteria: Ambry Variant Classification Scheme 2023. Collection method: clinical testing. Allele origin: germline.
Comment: The c.3014+4A>C intronic alteration consists of a A to C substitution nucleotides after coding exon 22 in the CC2D2A gene. Based on insufficient or conflicting evidence, the clinical significance of this alteration remains unclear.

Labcorp Genetics (formerly Invitae), Labcorp
Classification: Uncertain significance for Joubert syndrome; Meckel-Gruber syndrome. Last evaluated: 2022-09-27. Review status: criteria provided, single submitter. Criteria: Invitae Variant Classification Sherloc (09022015). Collection method: clinical testing. Allele origin: germline.
Comment: This sequence change falls in intron 24 of the CC2D2A gene. It does not directly change the encoded amino acid sequence of the CC2D2A protein. It affects a nucleotide within the consensus splice site. This variant is present in population databases (rs748451478, gnomAD 0.03%). This variant has not been reported in the literature in individuals affected with CC2D2A-related conditions. ClinVar contains an entry for this variant (Variation ID: 391066). Variants that disrupt the consensus splice site are a relatively common cause of aberrant splicing (PMID: 17576681, 9536098). Algorithms developed to predict the effect of sequence changes on RNA splicing suggest that this variant is not likely to affect RNA splicing. In summary, the available evidence is currently insufficient to determine the role of this variant in disease. Therefore, it has been classified as a Variant of Uncertain Significance.

GeneDx
Classification: Likely benign. Last evaluated: 2016-11-18. Review status: criteria provided, single submitter. Criteria: GeneDx Variant Classification (06012015). Collection method: clinical testing. Allele origin: germline. Affected: yes.
Comment: This variant is considered likely benign or benign based on one or more of the following criteria: it is a conservative change, it occurs at a poorly conserved position in the protein, it is predicted to be benign by multiple in silico algorithms, and/or has population frequency not consistent with disease.

PreventionGenetics, part of Exact Sciences
Classification: Likely benign for CC2D2A-related condition. Last evaluated: 2023-09-08. Review status: no assertion criteria provided. Collection method: clinical testing. Allele origin: germline. Not counted in ClinVar's aggregate classification.
Comment: This variant is classified as likely benign based on ACMG/AMP sequence variant interpretation guidelines (Richards et al. 2015 PMID: 25741868, with internal and published modifications).

Dr. Peter K. Rogan Lab, Western University
No classification provided (evidence only). Condition: Clear cell carcinoma of kidney. Review status: no classification provided. Collection method: in vitro. Allele origin: not applicable. Functional consequence: retained intron. Not counted in ClinVar's aggregate classification.

Literature cited by the submitters: PubMed 17576681 (cited by Labcorp Genetics (formerly Invitae), Labcorp); PubMed 9536098 (cited by Labcorp Genetics (formerly Invitae), Labcorp).

NM_001378615.1(CC2D2A):c.3014+4A>C

Genes: CC2D2A (coiled-coil and C2 domain containing 2A; plus strand), FBXL5 (F-box and leucine rich repeat protein 5; minus strand). Cytogenetic location: 4p15.32.
Variant type: single nucleotide variant.
Coding change: c.3014+4A>C on transcript NM_001378615.1 (MANE Select); 4 bases into the intron after coding-DNA position 3014, A replaced by C.
Molecular consequence: intron variant.
Genome position (GRCh38, 1-based): chr4:15,560,626, A>C. VCF-style: chr4-15560626-A-C. GRCh37 (hg19) VCF-style: chr4-15562249-A-C.
Other names: c.3014+4A>C (NM_001080522.2); c.2867+4A>C (NM_001378617.1).
Identifiers: ClinVar variation 391066 (VCV000391066.13), dbSNP rs748451478, ClinGen allele CA2864050.